The following is an entry in ClinVar:

ClinVar aggregate classification (germline): Likely benign. Review status: criteria provided, single submitter (1 of 4 stars). 2 submissions from 2 submitters: Likely benign (1). 1 of the submissions does not count toward it. Last evaluated 2025-12-14.

Conditions:
AIRE-related disorder. Also called: AIRE-related condition.
Polyglandular autoimmune syndrome, type 1 (APS1). Also called: AUTOIMMUNE POLYENDOCRINE SYNDROME, TYPE I, WITH OR WITHOUT REVERSIBLE METAPHYSEAL DYSPLASIA; APS I; Autoimmune polyendocrinopathy syndrome, type I; Whitaker syndrome; Autoimmune polyendocrinopathy syndrome , type I, with or without reversible metaphyseal dysplasia; Autoimmune polyendocrine syndrome type 1. Identifiers: Orphanet 3453, MedGen C0085859, MONDO:0009411, OMIM 240300.

Allele frequency attached by ClinVar (database versions not stated): TOPMed 0.00006; ExAC 0.00050; 1000 Genomes Project 0.00060; 1000 Genomes Project 30x 0.00062.

Submissions (2):

Labcorp Genetics (formerly Invitae), Labcorp
Classification: Likely benign for Polyglandular autoimmune syndrome, type 1. Last evaluated: 2025-12-14. Review status: criteria provided, single submitter. Criteria: Invitae Variant Classification Sherloc (09022015). Collection method: clinical testing. Allele origin: germline.

PreventionGenetics, part of Exact Sciences
Classification: Likely benign for AIRE-related condition. Last evaluated: 2019-06-06. Review status: no assertion criteria provided. Collection method: clinical testing. Allele origin: germline. Not counted in ClinVar's aggregate classification.
Comment: This variant is classified as likely benign based on ACMG/AMP sequence variant interpretation guidelines (Richards et al. 2015 PMID: 25741868, with internal and published modifications).

NM_000383.4(AIRE):c.1278+7G>A

Gene: AIRE (autoimmune regulator; plus strand). Cytogenetic location: 21q22.3.
Variant type: single nucleotide variant.
Coding change: c.1278+7G>A on transcript NM_000383.4 (MANE Select); 7 bases into the intron after coding-DNA position 1278, G replaced by A.
Molecular consequence: intron variant.
Genome position (GRCh38, 1-based): chr21:44,293,182, G>A. VCF-style: chr21-44293182-G-A. GRCh37 (hg19) VCF-style: chr21-45713065-G-A.
Identifiers: ClinVar variation 765700 (VCV000765700.13), dbSNP rs564103678, ClinGen allele CA10052013.
Genomic context (GRCh38, chr21:44,293,182, plus strand): 5'-CTGGACTCCTCGGCCCTGCACCCCCTACTGTGTGTGGGTCCTGAGGGTCAGCAGGTGAGC[G>A]GGGAGTGGGGGTCAGGGTGGGCTCTTCAAGGAGCCCAGGACCTACGGGGCGGATGAATTC-3'